The following is an entry in ClinVar:

NM_001367624.2(ZNF469):c.8370G>A (p.Trp2790Ter)

Gene: ZNF469 (zinc finger protein 469; plus strand). Cytogenetic location: 16q24.2.
Variant type: single nucleotide variant.
Coding change: c.8370G>A on transcript NM_001367624.2 (MANE Select); coding-DNA position 8370, G replaced by A.
Protein change: p.Trp2790Ter; replaces tryptophan 2790 with a stop codon.
Molecular consequence: nonsense.
Genome position (GRCh38, 1-based): chr16:88,435,840, G>A. VCF-style: chr16-88435840-G-A. GRCh37 (hg19) VCF-style: chr16-88502248-G-A.
Other names: p.Trp2790*; short protein forms W2790*.
Identifiers: ClinVar variation 2836023 (VCV002836023.4), dbSNP rs2507599463, ClinGen allele CA397117546.

ClinVar aggregate classification (germline): Pathogenic/Likely pathogenic. Review status: criteria provided, multiple submitters, no conflicts (2 of 4 stars). 2 submissions from 2 submitters: Pathogenic (1); Likely pathogenic (1). Last evaluated 2025-08-13.

Submissions (2):

Mayo Clinic Laboratories, Mayo Clinic
Classification: Likely pathogenic. Last evaluated: 2025-08-13. Review status: criteria provided, single submitter. Criteria: ACMG Guidelines, 2015. Collection method: clinical testing. Allele origin: germline. Observed: 1 variant allele.
Comment: PM2_supporting, PVS1

Labcorp Genetics (formerly Invitae), Labcorp
Classification: Pathogenic. Last evaluated: 2023-02-10. Review status: criteria provided, single submitter. Criteria: Invitae Variant Classification Sherloc (09022015). Collection method: clinical testing. Allele origin: germline.
Comment: For these reasons, this variant has been classified as Pathogenic. This variant disrupts a region of the ZNF469 protein in which other variant(s) (p.Pro3556Glnfs*136) have been determined to be pathogenic (PMID: 32671420). This suggests that this is a clinically significant region of the protein, and that variants that disrupt it are likely to be disease-causing. This variant has not been reported in the literature in individuals affected with ZNF469-related conditions. This variant is not present in population databases (gnomAD no frequency). This sequence change creates a premature translational stop signal (p.Trp2762*) in the ZNF469 gene. While this is not anticipated to result in nonsense mediated decay, it is expected to disrupt the last 1164 amino acid(s) of the ZNF469 protein.

Literature cited by the submitters: PubMed 32671420 (cited by Mayo Clinic Laboratories, Mayo Clinic and Labcorp Genetics (formerly Invitae), Labcorp).